The following is an entry in ClinVar:

NM_001291415.2(KDM6A):c.1164del (p.Ala389fs)

Gene: KDM6A (lysine demethylase 6A; plus strand). Cytogenetic location: Xp11.3.
Variant type: Deletion.
Coding change: c.1164del on transcript NM_001291415.2 (MANE Select); coding-DNA position 1164, one base deleted (T; older notation c.1164delT).
Protein change: p.Ala389fs; shifts the reading frame from alanine 389.
Molecular consequence: frameshift variant. On other transcripts: non-coding transcript variant (1).
Genome position (GRCh38, 1-based): chrX:45,059,436, T deleted. VCF-style (leftmost placement, unchanged base first): chrX-45059435-CT-C. GRCh37 (hg19) VCF-style: chrX-44918680-CT-C.
Other names: c.1164del, p.Ala389fs (NM_001291416.2, NM_001291417.2, NM_001291418.2 and 1 more transcripts); c.411del, p.Ala138fs (NM_001291421.2); c.1164delT, p.Ala389Hisfs (NM_001410742.1); short protein forms A138fs, A389fs.
Identifiers: ClinVar variation 1805249 (VCV001805249.1), dbSNP rs2522770771, ClinGen allele CA2573050760.

ClinVar aggregate classification (germline): Pathogenic (1 of 4 stars; one submission).

Conditions:
Kabuki syndrome 2 (KABUK2). Also called: KDM6A-Related Kabuki Syndrome. Identifiers: Orphanet 2322, MedGen C3275495, MONDO:0010465, OMIM 300867.

Submission:

Victorian Clinical Genetics Services, Murdoch Childrens Research Institute
Classification: Pathogenic for Kabuki syndrome 2. Last evaluated: 2022-02-02. Review status: criteria provided, single submitter. Criteria: ACMG Guidelines, 2015. Collection method: clinical testing. Allele origin: germline. Inheritance: X-linked dominant inheritance. Affected: yes.
Comment: Based on the classification scheme VCGS_Germline_v1.3.4, this variant is classified as Pathogenic. Following criteria are met: 0102 - Loss of function is a known mechanism of disease in this gene and is associated with Kabuki syndrome 2 (MIM#300867). (I) 0110 - This gene is associated with X-linked dominant disease. (I) 0201 - Variant is predicted to cause nonsense-mediated decay (NMD) and loss of protein (premature termination codon is located at least 54 nucleotides upstream of the final exon-exon junction). (SP) 0251 - This variant is heterozygous. (I) 0301 - Variant is absent from gnomAD (both v2 and v3). (SP) 0701 - Other NMD predicted variants comparable to the one identified in this case have very strong previous evidence for pathogenicity (DECIPHER). (SP) 0807 - This variant has no previous evidence of pathogenicity. (I) 0905 - No published segregation evidence has been identified for this variant. (I) 1007 - No published functional evidence has been identified for this variant. (SP) Legend: (SP) - Supporting pathogenic, (I) - Information, (SB) - Supporting benign